The following is an entry in ClinVar:

ClinVar aggregate classification (germline): Uncertain significance (1 of 4 stars; one submission).

Submission:

Labcorp Genetics (formerly Invitae), Labcorp
Classification: Uncertain significance. Last evaluated: 2023-09-21. Review status: criteria provided, single submitter. Criteria: Invitae Variant Classification Sherloc (09022015). Collection method: clinical testing. Allele origin: germline.
Comment: This sequence change replaces cysteine, which is neutral and slightly polar, with arginine, which is basic and polar, at codon 253 of the EPHB4 protein (p.Cys253Arg). This variant is not present in population databases (gnomAD no frequency). This variant has not been reported in the literature in individuals affected with EPHB4-related conditions. Advanced modeling of protein sequence and biophysical properties (such as structural, functional, and spatial information, amino acid conservation, physicochemical variation, residue mobility, and thermodynamic stability) performed at Invitae indicates that this missense variant is expected to disrupt EPHB4 protein function. In summary, the available evidence is currently insufficient to determine the role of this variant in disease. Therefore, it has been classified as a Variant of Uncertain Significance.

NM_004444.5(EPHB4):c.757T>C (p.Cys253Arg)

Gene: EPHB4 (EPH receptor B4; minus strand). Cytogenetic location: 7q22.1.
Variant type: single nucleotide variant.
Coding change: c.757T>C on transcript NM_004444.5 (MANE Select); coding-DNA position 757, T replaced by C.
Protein change: p.Cys253Arg; replaces cysteine 253 with arginine.
Molecular consequence: missense variant.
Genome position (GRCh38, 1-based): chr7:100,822,322, A>G on the plus strand (T>C on the coding strand, the complement: EPHB4 is on the minus strand). VCF-style: chr7-100822322-A-G. GRCh37 (hg19) VCF-style: chr7-100419944-A-G.
Other names: short protein forms C253R.
Identifiers: ClinVar variation 2745836 (VCV002745836.3), dbSNP rs2485044825, ClinGen allele CA368579861.